The following is an entry in ClinVar:

NM_015338.6(ASXL1):c.9_29del (p.Asp3_Lys9del)

Gene: ASXL1 (ASXL transcriptional regulator 1; plus strand). Cytogenetic location: 20q11.21.
Variant type: Deletion.
Coding change: c.9_29del on transcript NM_015338.6 (MANE Select); coding-DNA positions 9 to 29, 21 bases deleted (CAAACAGAAGAAGAAGAAGGA).
Protein change: p.Asp3_Lys9del.
Molecular consequence: initiator codon variant.
Genome position (GRCh38, 1-based): chr20:32,358,784-32,358,804, CAAACAGAAGAAGAAGAAGGA deleted; deleting any 21 consecutive bases within chr20:32,358,778-32,358,804 gives the same sequence; the c. name uses the placement nearest the transcript's 3' end. VCF-style (leftmost placement, unchanged base first): chr20-32358777-TGAAGGACAAACAGAAGAAGAA-T. GRCh37 (hg19) VCF-style: chr20-30946580-TGAAGGACAAACAGAAGAAGAA-T.
Other names: c.9_29del, p.Asp3_Lys9del (NM_001164603.1).
Identifiers: ClinVar variation 3662691 (VCV003662691.2).
Genomic context (GRCh38, chr20:32,358,777, plus strand): 5'-CCCCAGCCCGCCCAGCCCGGAGGTCCCGCGTGGAGCTGCCGCCGCCGCCGGGGAGAAGGA[TGAAGGACAAACAGAAGAAGAA>T]GAAGGAGCGCACGTGGGCCGAGGCCGCGCGCCTGGTGAGGCGGACAGCCGAGGGGGGCTC-3'

ClinVar aggregate classification (germline): Uncertain significance (1 of 4 stars; one submission).

Submission:

Labcorp Genetics (formerly Invitae), Labcorp
Classification: Uncertain significance. Last evaluated: 2024-09-16. Review status: criteria provided, single submitter. Criteria: Invitae Variant Classification Sherloc (09022015). Collection method: clinical testing. Allele origin: germline.
Comment: This variant, c.9_29del, results in the deletion of 7 amino acid(s) of the ASXL1 protein (p.Asp3_Lys9del), but otherwise preserves the integrity of the reading frame. This variant is not present in population databases (gnomAD no frequency). This variant has not been reported in the literature in individuals affected with ASXL1-related conditions. Experimental studies and prediction algorithms are not available or were not evaluated, and the functional significance of this variant is currently unknown. In summary, the available evidence is currently insufficient to determine the role of this variant in disease. Therefore, it has been classified as a Variant of Uncertain Significance.